The following is an entry in ClinVar:

ClinVar aggregate classification (germline): Likely benign. Review status: criteria provided, multiple submitters, no conflicts (2 of 4 stars). 3 submissions from 3 submitters: Likely benign (2). 1 of the submissions does not count toward it. Last evaluated 2025-07-13.

Conditions:
Oculofaciocardiodental syndrome (MCOPS2). Identifiers: Orphanet 2712, MedGen C1846265, MONDO:0010261, OMIM 300166.
BCOR-related disorder. Also called: BCOR-related condition; BCOR-related disorders.

Allele frequency attached by ClinVar (database versions not stated): TOPMed 0.00002; gnomAD 0.00005; gnomAD exomes 0.00007 and 0.00011; ExAC 0.00011.
gnomAD v4.1: 76 of 1,209,182 alleles (0.0063%); highest among the groups gnomAD compares: South Asian, 0.053%; no homozygotes.

Submissions (3):

Labcorp Genetics (formerly Invitae), Labcorp
Classification: Likely benign for Oculofaciocardiodental syndrome. Last evaluated: 2025-07-13. Review status: criteria provided, single submitter. Criteria: Invitae Variant Classification Sherloc (09022015). Collection method: clinical testing. Allele origin: germline.

CeGaT Center for Human Genetics Tuebingen
Classification: Likely benign. Last evaluated: 2022-09-01. Review status: criteria provided, single submitter. Criteria: CeGaT Center For Human Genetics Tuebingen Variant Classification Criteria Version 2. Collection method: clinical testing. Allele origin: germline. Affected: yes. Observed: 1 variant allele.
Comment: BCOR: BP4, BP7

PreventionGenetics, part of Exact Sciences
Classification: Likely benign for BCOR-related condition. Last evaluated: 2021-05-12. Review status: no assertion criteria provided. Collection method: clinical testing. Allele origin: germline. Not counted in ClinVar's aggregate classification.
Comment: This variant is classified as likely benign based on ACMG/AMP sequence variant interpretation guidelines (Richards et al. 2015 PMID: 25741868, with internal and published modifications).

NM_001123385.2(BCOR):c.4152C>T (p.Tyr1384=)

Gene: BCOR (BCL6 corepressor; minus strand). Cytogenetic location: Xp11.4.
Variant type: single nucleotide variant.
Coding change: c.4152C>T on transcript NM_001123385.2 (MANE Select); coding-DNA position 4152, C replaced by T.
Protein change: p.Tyr1384=; no amino-acid change (tyrosine 1384 retained).
Molecular consequence: synonymous variant.
Genome position (GRCh38, 1-based): chrX:40,062,767, G>A on the plus strand (C>T on the coding strand, the complement: BCOR is on the minus strand). VCF-style: chrX-40062767-G-A. GRCh37 (hg19) VCF-style: chrX-39922020-G-A.
Other names: c.4050C>T, p.Tyr1350= (NM_001123383.2, NM_017745.6); c.3996C>T, p.Tyr1332= (NM_001123384.2).
Identifiers: ClinVar variation 1577309 (VCV001577309.33), dbSNP rs750973796, ClinGen allele CA10386507.